The following is an entry in ClinVar:

ClinVar aggregate classification (germline): Uncertain significance (1 of 4 stars; one submission).

Submission:

GeneDx
Classification: Uncertain significance. Last evaluated: 2025-03-17. Review status: criteria provided, single submitter. Criteria: GeneDx Variant Classification Process June 2021. Collection method: clinical testing. Allele origin: germline. Affected: yes.
Comment: Not observed at significant frequency in large population cohorts (gnomAD); In silico analysis supports that this missense variant has a deleterious effect on protein structure/function; Has not been previously published as pathogenic or benign to our knowledge

NM_000435.3(NOTCH3):c.5429A>T (p.Glu1810Val)

Gene: NOTCH3 (notch receptor 3; minus strand). Cytogenetic location: 19p13.12.
Variant type: single nucleotide variant.
Coding change: c.5429A>T on transcript NM_000435.3 (MANE Select); coding-DNA position 5429, A replaced by T.
Protein change: p.Glu1810Val; replaces glutamic acid 1810 with valine.
Molecular consequence: missense variant.
Genome position (GRCh38, 1-based): chr19:15,166,025, T>A on the plus strand (A>T on the coding strand, the complement: NOTCH3 is on the minus strand). VCF-style: chr19-15166025-T-A. GRCh37 (hg19) VCF-style: chr19-15276836-T-A.
Other names: short protein forms E1810V.
Identifiers: ClinVar variation 4086656 (VCV004086656.1).